The following is an entry in ClinVar:

NM_003660.4(PPFIA3):c.2046del (p.Ser683fs)

Gene: PPFIA3 (PPFI scaffold protein A3; plus strand). Cytogenetic location: 19q13.33.
Variant type: Deletion.
Coding change: c.2046del on transcript NM_003660.4 (MANE Select); coding-DNA position 2046, one base deleted (T; older notation c.2046delT).
Protein change: p.Ser683fs; shifts the reading frame from serine 683.
Molecular consequence: frameshift variant.
Genome position (GRCh38, 1-based): chr19:49,138,397, T deleted. VCF-style (leftmost placement, unchanged base first): chr19-49138396-CT-C. GRCh37 (hg19) VCF-style: chr19-49641653-CT-C.
Other names: short protein forms S683fs.
Identifiers: ClinVar variation 5038195 (VCV005038195.1).
Genomic context (GRCh38, chr19:49,138,396, plus strand): 5'-CTACCCTTGCCAGCCCCTCCCCTCCCAGCTCTGGCCACTCAACACCCCGCCTGGCACCCC[CT>C]AGCCCTGCCCGTGAGGGCACCGACAAGGCTGTGAGTGCTCTGAAGTCTCCCCAGCCTAGT-3'

ClinVar aggregate classification (germline): Uncertain significance (1 of 4 stars; one submission).

Conditions:
PAUL-CHAO NEURODEVELOPMENTAL SYNDROME (NEDPACH). Also called: INTELLECTUAL DEVELOPMENTAL DISORDER WITH IMPAIRED SPEECH, DYSMORPHIC FACIES, AND BEHAVIORAL ABNORMALITIES. Identifiers: MedGen C6012758, OMIM 621122.

Submission:

MVZ Medizinische Genetik Mainz
Classification: Uncertain significance for PAUL-CHAO NEURODEVELOPMENTAL SYNDROME. Last evaluated: 2025-12-11. Review status: criteria provided, single submitter. Criteria: UK Practice Guidelines For Variant Classification V4 01 2020. Collection method: clinical testing. Allele origin: germline. Inheritance: Autosomal dominant inheritance. Affected: yes. Observed: 1 variant allele.
Comment: ACMG Criteria: PVS1_STR,PM2_SUP